The following is an entry in ClinVar:

NM_000548.5(TSC2):c.2145G>T (p.Glu715Asp)

Gene: TSC2 (TSC complex subunit 2; plus strand). Cytogenetic location: 16p13.3.
Variant type: single nucleotide variant.
Coding change: c.2145G>T on transcript NM_000548.5 (MANE Select); coding-DNA position 2145, G replaced by T.
Protein change: p.Glu715Asp; replaces glutamic acid 715 with aspartic acid.
Molecular consequence: missense variant.
Genome position (GRCh38, 1-based): chr16:2,072,288, G>T. VCF-style: chr16-2072288-G-T. GRCh37 (hg19) VCF-style: chr16-2122289-G-T.
Other names: c.2145G>T, p.Glu715Asp (NM_001077183.3, NM_001114382.3, NM_001363528.2 and 6 more transcripts); c.2034G>T, p.Glu678Asp (NM_001318827.2, NM_001406678.1, NM_001406670.1); c.1998G>T, p.Glu666Asp (NM_001318829.2, NM_001406679.1, NM_001406675.1 and 1 more transcripts); c.1545G>T, p.Glu515Asp (NM_001318831.2, NM_001406680.1, NM_001406682.1 and 6 more transcripts); c.2178G>T, p.Glu726Asp (NM_001318832.2); c.2088G>T, p.Glu696Asp (NM_001406677.1); c.1683G>T, p.Glu561Asp (NM_001406681.1); c.801G>T, p.Glu267Asp (NM_001406696.1, NM_001406697.1, NM_001406689.1 and 6 more transcripts); and 3 more; short protein forms E181D, E267D, E678D, E696D, E711D, E715D, E515D, E666D.
Identifiers: ClinVar variation 2037041 (VCV002037041.4), dbSNP rs1596347274, ClinGen allele CA394274840.
Genomic context (GRCh38, chr16:2,072,288, plus strand): 5'-CCTCTCCTCGCAGGAGTCTGACTGGAAGGTGCTGAAGCTGGTTCTGGGCAGGCTGCCTGA[G>T]TCCCTGCGCTATAAAGTGCTCATCTTTACTTCCCCTTGCAGTGTGGACCAGCTGTGCTCT-3'
Protein context (NP_000539.2, residues 705-725): VLKLVLGRLP[Glu715Asp]SLRYKVLIFT

ClinVar aggregate classification (germline): Uncertain significance (1 of 4 stars; one submission).

Conditions:
Tuberous sclerosis 2 (TSC2). Identifiers: Orphanet 805, MedGen C1860707, MONDO:0013199, OMIM 613254.

Submission:

Labcorp Genetics (formerly Invitae), Labcorp
Classification: Uncertain significance for Tuberous sclerosis 2. Last evaluated: 2023-01-03. Review status: criteria provided, single submitter. Criteria: Invitae Variant Classification Sherloc (09022015). Collection method: clinical testing. Allele origin: germline.
Comment: In summary, the available evidence is currently insufficient to determine the role of this variant in disease. Therefore, it has been classified as a Variant of Uncertain Significance. Advanced modeling of protein sequence and biophysical properties (such as structural, functional, and spatial information, amino acid conservation, physicochemical variation, residue mobility, and thermodynamic stability) performed at Invitae indicates that this missense variant is not expected to disrupt TSC2 protein function. This variant has not been reported in the literature in individuals affected with TSC2-related conditions. This variant is not present in population databases (gnomAD no frequency). This sequence change replaces glutamic acid, which is acidic and polar, with aspartic acid, which is acidic and polar, at codon 715 of the TSC2 protein (p.Glu715Asp).